The following is an entry in ClinVar:

ClinVar aggregate classification (germline): Pathogenic (1 of 4 stars; one submission).

Submission:

Illumina Laboratory Services, Illumina
Classification: Pathogenic. Last evaluated: 2023-05-01. Review status: criteria provided, single submitter. Criteria: ICSL CNVClassificationCriteria Aug2020. Collection method: clinical testing. Allele origin: unknown.
Comment: This CNV is a 547 kb duplication of 16p11.2 on chromosome 16, (seq[GRCh37]dup(16)(p11.2);NC_000016.9:g.29651786_30199024dup), which is inherited. This CNV affects 27 protein-coding genes and is consistent with the proximal 16p11.2 recurrent region, which is subject to recurrent copy number changes due to the presence of a cluster of low copy repeats (PMID: 20301775). These recurrent breakpoints are sometimes referred to as BP4 and BP5. A few similar duplications have been observed in controls, consistent with the incomplete penetrance and variable phenotypes associated with 16p11.2 duplication (PMID: 21841781). Based on the available evidence, this CNV is classified as pathogenic.

Single allele

Genes: ALDOA (aldolase, fructose-bisphosphate A; plus strand), ASPHD1 (aspartate beta-hydroxylase domain containing 1; plus strand), C16orf54 (chromosome 16 open reading frame 54; minus strand), C16orf92 (chromosome 16 open reading frame 92; plus strand), CDIPT (CDP-diacylglycerol--inositol 3-phosphatidyltransferase; minus strand) and 22 more. Cytogenetic location: 16p11.2.
Variant type: Duplication.
Identifiers: ClinVar variation 2671579 (VCV002671579.1).